The following is an entry in ClinVar:

ClinVar aggregate classification (germline): Likely pathogenic (1 of 4 stars; one submission).

Conditions:
Spastic paraplegia-severe developmental delay-epilepsy syndrome. Also called: Spastic paraplegia and psychomotor retardation with or without seizures. Identifiers: Orphanet 464282, MedGen C4225215, MONDO:0014764, OMIM 616756.

Submission:

Genomic Research Center, Shahid Beheshti University of Medical Sciences
Classification: Likely pathogenic for Spastic paraplegia-severe developmental delay-epilepsy syndrome. Last evaluated: 2023-12-07. Review status: criteria provided, single submitter. Criteria: ACMG Guidelines, 2015. Collection method: clinical testing. Allele origin: inherited. Affected: yes. Observed: 1 homozygote.
Comment: This missense variant is absent in population databases. The gene is intolerant to benign missense variation, and computational prediction tools indicate a deleterious effect on protein function. Segregation analysis shows that the variant segregates with disease in the family.

NM_020771.4(HACE1):c.2287G>C (p.Gly763Arg)

Gene: HACE1 (HECT domain and ankyrin repeat containing E3 ubiquitin protein ligase 1; minus strand). Cytogenetic location: 6q16.3.
Variant type: single nucleotide variant.
Coding change: c.2287G>C on transcript NM_020771.4 (MANE Select); coding-DNA position 2287, G replaced by C.
Protein change: p.Gly763Arg; replaces glycine 763 with arginine.
Molecular consequence: missense variant. On other transcripts: non-coding transcript variant (7).
Genome position (GRCh38, 1-based): chr6:104,750,397, C>G on the plus strand (G>C on the coding strand, the complement: HACE1 is on the minus strand). VCF-style: chr6-104750397-C-G. GRCh37 (hg19) VCF-style: chr6-105198272-C-G.
Other names: c.2155G>C, p.Gly719Arg (NM_001321080.2); c.2185G>C, p.Gly729Arg (NM_001321083.2); c.1783G>C, p.Gly595Arg (NM_001321084.2, NM_001350557.2, NM_001350558.2); c.2053G>C, p.Gly685Arg (NM_001350554.2); c.1996G>C, p.Gly666Arg (NM_001350555.2); c.1801G>C, p.Gly601Arg (NM_001350556.2); c.1705G>C, p.Gly569Arg (NM_001350559.2); c.1504G>C, p.Gly502Arg (NM_001350560.2); short protein forms G502R, G569R, G595R, G601R, G666R, G685R, G719R, G729R.
Identifiers: ClinVar variation 4537491 (VCV004537491.1).